The following is an entry in ClinVar:

NM_001267550.2(TTN):c.46451G>A (p.Arg15484Lys)

Genes: TTN (titin; minus strand), TTN-AS1 (TTN antisense RNA 1; plus strand). Cytogenetic location: 2q31.2.
Variant type: single nucleotide variant.
Coding change: c.46451G>A on transcript NM_001267550.2 (MANE Select); coding-DNA position 46451, G replaced by A.
Protein change: p.Arg15484Lys; replaces arginine 15484 with lysine.
Molecular consequence: missense variant. On other transcripts: non-coding transcript variant (1).
Genome position (GRCh38, 1-based): chr2:178,619,866, C>T on the plus strand (G>A on the coding strand, the complement: TTN is on the minus strand). VCF-style: chr2-178619866-C-T. GRCh37 (hg19) VCF-style: chr2-179484593-C-T.
Other names: p.R13843K:AGG>AAG; p.Arg13843Lys; c.19256G>A, p.Arg6419Lys (NM_003319.4); c.19631G>A, p.Arg6544Lys (NM_133432.3); c.19832G>A, p.Arg6611Lys (NM_133437.4); c.41528G>A, p.Arg13843Lys (NM_001256850.1); c.38747G>A, p.Arg12916Lys (NM_133378.4); c.46451G>A (NM_001267550.1); short protein forms R15484K, R13843K, R12916K, R6611K, R6419K, R6544K.
Identifiers: ClinVar variation 195006 (VCV000195006.68), dbSNP rs72677229, ClinGen allele CA302790.
Genomic context (GRCh38, chr2:178,619,866, plus strand): 5'-TTGAGTTCTGCTAAAAAGACAACATCAGCACCAGGGGCTTCAAGAATATCTTGTGGAGGC[C>T]TGATGATCTCAACAGGAATTTCTGGAAAGAAAATGTGAAATAAATACAAATATGTTTACA-3'
Protein context (NP_001254479.2, residues 15474-15494): FVEEIPVEII[Arg15484Lys]PPQDILEAPG

ClinVar aggregate classification (germline): Conflicting classifications of pathogenicity. Review status: criteria provided, conflicting classifications (1 of 4 stars). 13 submissions from 13 submitters: Uncertain significance (8); Likely benign (5). Last evaluated 2025-09-02.

Conditions:
TTN-related disorder. Also called: TTN-related condition; TTN-related disease; TTN-related disorders.
Cardiovascular phenotype. Identifiers: MedGen CN230736.
Autosomal recessive limb-girdle muscular dystrophy type 2J (LGMDR10). Also called: Limb-girdle muscular dystrophy, type 2J; MUSCULAR DYSTROPHY, LIMB-GIRDLE, AUTOSOMAL RECESSIVE 10. Identifiers: Orphanet 140922, MedGen C1837342, MONDO:0012127, OMIM 608807.
Dilated cardiomyopathy 1G (CMD1G). Identifiers: Orphanet 154, MedGen C1858763, MONDO:0011400, OMIM 604145.
Cardiomyopathy (CMYO). Also called: Cardiomyopathies. Identifiers: Orphanet 167848, MedGen C0878544, MONDO:0004994, HP:0001638. Inheritance: Various modes of inheritance.

Allele frequency attached by ClinVar (database versions not stated): TOPMed 0.00025; gnomAD 0.00026 and 0.00024; ESP Exome Variant Server 0.00051.
gnomAD v4.1: 482 of 1,610,466 alleles (0.03%); highest among the groups gnomAD compares: Non-Finnish European, 0.039%; no homozygotes.

Submissions (13):

PreventionGenetics, part of Exact Sciences
Classification: Likely benign for TTN-related condition. Last evaluated: 2025-09-02. Review status: criteria provided, single submitter. Criteria: ACMG Guidelines, 2015. Collection method: clinical testing. Allele origin: germline.
Comment: This variant is classified as likely benign based on ACMG/AMP sequence variant interpretation guidelines (Richards et al. 2015 PMID: 25741868, with internal and published modifications).

Women's Health and Genetics/Laboratory Corporation of America, LabCorp
Classification: Uncertain significance. Last evaluated: 2025-08-18. Review status: criteria provided, single submitter. Criteria: LabCorp Variant Classification Summary - May 2015. Collection method: clinical testing. Allele origin: germline.
Comment: Variant summary: TTN c.38747G>A (p.Arg12916Lys) results in a conservative amino acid change located in the I-band domain of the encoded protein sequence. Algorithms developed to predict the effect of missense changes on protein structure and function are either unavailable or do not agree on the potential impact of this missense change. The variant allele was found at a frequency of 0.00019 in 245678 control chromosomes. This frequency is not significantly higher than estimated for a pathogenic variant in TTN causing Dilated Cardiomyopathy (0.00019 vs 0.00039), allowing no conclusion about variant significance. c.38747G>A has been observed in individuals affected with hypertrophic cardiomyopathy or arrhythmogenic right ventricular cardiomyopathy (e.g. Lopes_2013, Hertz_2015). These reports do not provide unequivocal conclusions about association of the variant with Dilated Cardiomyopathy. To our knowledge, no experimental evidence demonstrating an impact on protein function has been reported. The following publications have been ascertained in the context of this evaluation (PMID: 24476948, 26383259, 23396983). ClinVar contains an entry for this variant (Variation ID: 195006). Based on the evidence outlined above, the variant was classified as uncertain significance.

CeGaT Center for Human Genetics Tuebingen
Classification: Uncertain significance. Last evaluated: 2025-07-01. Review status: criteria provided, single submitter. Criteria: CeGaT Center For Human Genetics Tuebingen Variant Classification Criteria Version 2. Collection method: clinical testing. Allele origin: germline. Affected: yes. Observed: 3 variant alleles.
Comment: TTN: PM2:Supporting

Molecular Diagnostic Laboratory for Inherited Cardiovascular Disease, Montreal Heart Institute
Classification: Likely benign. Last evaluated: 2025-04-09. Review status: criteria provided, single submitter. Criteria: ACMG Guidelines, 2015. Collection method: clinical testing. Allele origin: germline. Affected: no.

Revvity Omics, Revvity
Classification: Uncertain significance. Last evaluated: 2025-02-13. Review status: criteria provided, single submitter. Criteria: ACMG Guidelines, 2015. Collection method: clinical testing. Allele origin: germline.

Athena Diagnostics
Classification: Uncertain significance. Last evaluated: 2023-05-02. Review status: criteria provided, single submitter. Criteria: Athena Diagnostics Criteria. Collection method: clinical testing. Allele origin: unknown.
Comment: Available data are insufficient to determine the clinical significance of the variant at this time. The frequency of this variant in the general population is higher than would generally be expected for pathogenic variants in this gene. Computational tools disagree on the variant's effect on normal protein function.

Mayo Clinic Laboratories, Mayo Clinic
Classification: Uncertain significance. Last evaluated: 2023-04-14. Review status: criteria provided, single submitter. Criteria: ACMG Guidelines, 2015. Collection method: clinical testing. Allele origin: germline. Observed: 4 variant alleles.

GeneDx
Classification: Likely benign. Last evaluated: 2021-02-16. Review status: criteria provided, single submitter. Criteria: GeneDx Variant Classification Process June 2021. Collection method: clinical testing. Allele origin: germline. Affected: yes.

CHEO Genetics Diagnostic Laboratory, Children's Hospital of Eastern Ontario
Classification: Likely benign for Cardiomyopathy. Last evaluated: 2020-02-24. Review status: criteria provided, single submitter. Criteria: ACMG Guidelines, 2015. Collection method: clinical testing. Allele origin: germline.

Ambry Genetics
Classification: Likely benign for Cardiovascular phenotype. Last evaluated: 2019-10-01. Review status: criteria provided, single submitter. Criteria: Ambry Variant Classification Scheme 2023. Collection method: clinical testing. Allele origin: germline.

Labcorp Genetics (formerly Invitae), Labcorp
Classification: Uncertain significance for Dilated cardiomyopathy 1G; Autosomal recessive limb-girdle muscular dystrophy type 2J. Last evaluated: 2017-10-25. Review status: criteria provided, single submitter. Criteria: Invitae Variant Classification Sherloc (09022015). Collection method: clinical testing. Allele origin: germline.

Eurofins Ntd Llc (ga)
Classification: Uncertain significance. Last evaluated: 2017-10-09. Review status: criteria provided, single submitter. Criteria: EGL Classification Definitions 2015. Collection method: clinical testing. Allele origin: germline. Observed: 7 variant alleles, 7 heterozygotes.

Laboratory for Molecular Medicine, Mass General Brigham Personalized Medicine
Classification: Uncertain significance. Last evaluated: 2016-04-14. Review status: criteria provided, single submitter. Criteria: LMM Criteria. Collection method: clinical testing. Allele origin: germline. Observed: 1 variant allele.
Comment: The p.Arg12916Lys variant in TTN has not been previously reported in individuals with cardiomyopathy, but has been identified in 14/66128 European chromosomes b y the Exome Aggregation Consortium (ExAC; dbSNP rs72677229). Computational prediction tools and conservation analysis suggest th at the p.Arg12916Lys variant may impact the protein, though this information is not predictive enough to determine pathogenicity. In summary, the clinical signi ficance of the p.Arg12916Lys variant is uncertain.

Literature cited by the submitters: PubMed 23396983 (cited by Women's Health and Genetics/Laboratory Corporation of America, LabCorp); PubMed 26383259 (cited by Women's Health and Genetics/Laboratory Corporation of America, LabCorp); PubMed 24476948 (cited by Women's Health and Genetics/Laboratory Corporation of America, LabCorp).